The following is an entry in ClinVar:

NC_000001.10:g.(?_216348580)_(216896641_?)del

Genes: ESRRG (estrogen related receptor gamma; minus strand), USH2A (usherin; minus strand). Cytogenetic location: 1q41.
Variant type: Deletion.
Identifiers: ClinVar variation 1070622 (VCV001070622.6).

ClinVar aggregate classification (germline): Pathogenic (1 of 4 stars; one submission).

Submission:

Labcorp Genetics (formerly Invitae), Labcorp
Classification: Pathogenic. Last evaluated: 2022-09-27. Review status: criteria provided, single submitter. Criteria: Invitae Variant Classification Sherloc (09022015). Collection method: clinical testing. Allele origin: germline.
Comment: This variant has not been reported in the literature in individuals affected with USH2A-related conditions. For these reasons, this variant has been classified as Pathogenic. This variant is a gross deletion of the genomic region encompassing exon(s) 1-21 of the USH2A gene, which includes the initiator codon. This deletion extends beyond the assayed region for this gene and therefore may encompass additional genes. It is expected to result in an absent or disrupted protein product. Loss-of-function variants in USH2A are known to be pathogenic (PMID: 10729113, 10909849, 20507924, 25649381).

Literature cited by the submitters: PubMed 10729113; PubMed 10909849; PubMed 20507924; PubMed 25649381.